The following is an entry in ClinVar:

NM_031418.4(ANO3):c.1655C>T (p.Ser552Leu)

Gene: ANO3 (anoctamin 3; plus strand). Cytogenetic location: 11p14.2.
Variant type: single nucleotide variant.
Coding change: c.1655C>T on transcript NM_031418.4 (MANE Select); coding-DNA position 1655, C replaced by T.
Protein change: p.Ser552Leu; replaces serine 552 with leucine.
Molecular consequence: missense variant.
Genome position (GRCh38, 1-based): chr11:26,598,982, C>T. VCF-style: chr11-26598982-C-T. GRCh37 (hg19) VCF-style: chr11-26620529-C-T.
Other names: c.1838C>T, p.Ser613Leu (NM_001313726.2); c.1217C>T, p.Ser406Leu (NM_001313727.2); short protein forms S552L, S406L, S613L.
Identifiers: ClinVar variation 1982502 (VCV001982502.4), dbSNP rs2538934343, ClinGen allele CA379940891.

ClinVar aggregate classification (germline): Uncertain significance (1 of 4 stars; one submission).

Conditions:
Dystonic disorder. Also called: Dystonia. Identifiers: MedGen C0013421, MONDO:0003441, HP:0001332.

Allele frequency attached by ClinVar (database versions not stated): gnomAD exomes below 0.00001.

Submission:

Labcorp Genetics (formerly Invitae), Labcorp
Classification: Uncertain significance for Dystonic disorder. Last evaluated: 2022-09-21. Review status: criteria provided, single submitter. Criteria: Invitae Variant Classification Sherloc (09022015). Collection method: clinical testing. Allele origin: germline.
Comment: In summary, the available evidence is currently insufficient to determine the role of this variant in disease. Therefore, it has been classified as a Variant of Uncertain Significance. Advanced modeling of protein sequence and biophysical properties (such as structural, functional, and spatial information, amino acid conservation, physicochemical variation, residue mobility, and thermodynamic stability) performed at Invitae indicates that this missense variant is not expected to disrupt ANO3 protein function. This variant has not been reported in the literature in individuals affected with ANO3-related conditions. This variant is not present in population databases (gnomAD no frequency). This sequence change replaces serine, which is neutral and polar, with leucine, which is neutral and non-polar, at codon 552 of the ANO3 protein (p.Ser552Leu).